The following is an entry in ClinVar:

ClinVar aggregate classification (germline): Uncertain significance (1 of 4 stars; one submission).

Conditions:
Charcot-Marie-Tooth disease axonal type 2Z. Also called: CHARCOT-MARIE-TOOTH DISEASE, AXONAL, AUTOSOMAL DOMINANT, TYPE 2Z; CHARCOT-MARIE-TOOTH NEUROPATHY, TYPE 2Z. Identifiers: Orphanet 466768, MedGen C5569025, MONDO:0014736, OMIM 616688.

Allele frequency attached by ClinVar (database versions not stated): gnomAD exomes below 0.00001; ExAC 0.00001.
gnomAD v4.1: 4 of 1,607,088 alleles (0.00025%); highest among the groups gnomAD compares: Non-Finnish European, 0.00025%; no homozygotes.

Submission:

Labcorp Genetics (formerly Invitae), Labcorp
Classification: Uncertain significance for Charcot-Marie-Tooth disease axonal type 2Z. Last evaluated: 2021-12-27. Review status: criteria provided, single submitter. Criteria: Invitae Variant Classification Sherloc (09022015). Collection method: clinical testing. Allele origin: germline.
Comment: In summary, the available evidence is currently insufficient to determine the role of this variant in disease. Therefore, it has been classified as a Variant of Uncertain Significance. This sequence change falls in intron 6 of the MORC2 gene. It does not directly change the encoded amino acid sequence of the MORC2 protein. It affects a nucleotide within the consensus splice site. This variant is present in population databases (rs760495709, gnomAD 0.0009%). This variant has not been reported in the literature in individuals affected with MORC2-related conditions. Variants that disrupt the consensus splice site are a relatively common cause of aberrant splicing (PMID: 17576681, 9536098). Algorithms developed to predict the effect of sequence changes on RNA splicing suggest that this variant may disrupt the consensus splice site.

Literature cited by the submitters: PubMed 17576681; PubMed 9536098.

NM_001303256.3(MORC2):c.427-3C>T

Gene: MORC2 (MORC family CW-type zinc finger 2; minus strand). Cytogenetic location: 22q12.2.
Variant type: single nucleotide variant.
Coding change: c.427-3C>T on transcript NM_001303256.3 (MANE Select); 3 bases into the intron before coding-DNA position 427, C replaced by T.
Molecular consequence: intron variant.
Genome position (GRCh38, 1-based): chr22:30,942,274, G>A on the plus strand (C>T on the coding strand, the complement: MORC2 is on the minus strand). VCF-style: chr22-30942274-G-A. GRCh37 (hg19) VCF-style: chr22-31338261-G-A.
Other names: c.427-3C>T (NM_001303257.2); c.241-3C>T (NM_014941.3).
Identifiers: ClinVar variation 2142536 (VCV002142536.4), dbSNP rs760495709, ClinGen allele CA10187247.